The following is an entry in ClinVar:

NM_001130823.3(DNMT1):c.880G>A (p.Gly294Arg)

Gene: DNMT1 (DNA methyltransferase 1; minus strand). Cytogenetic location: 19p13.2.
Variant type: single nucleotide variant.
Coding change: c.880G>A on transcript NM_001130823.3 (MANE Select); coding-DNA position 880, G replaced by A.
Protein change: p.Gly294Arg; replaces glycine 294 with arginine.
Molecular consequence: missense variant.
Genome position (GRCh38, 1-based): chr19:10,166,609, C>T on the plus strand (G>A on the coding strand, the complement: DNMT1 is on the minus strand). VCF-style: chr19-10166609-C-T. GRCh37 (hg19) VCF-style: chr19-10277285-C-T.
Other names: c.832G>A, p.Gly278Arg (NM_001318730.2, NM_001379.4); c.517G>A, p.Gly173Arg (NM_001318731.2); short protein forms G173R, G278R, G294R.
Identifiers: ClinVar variation 3643856 (VCV003643856.2).

ClinVar aggregate classification (germline): Uncertain significance (1 of 4 stars; one submission).

Conditions:
Hereditary sensory neuropathy-deafness-dementia syndrome. Also called: Hereditary sensory neuropathy type IE; NEUROPATHY, HEREDITARY SENSORY, WITH HEARING LOSS AND DEMENTIA; Hereditary Sensory and Autonomic Neuropathy Type 1E (HSAN1E); HSN IE. Identifiers: Orphanet 456318, MedGen C3279885, MONDO:0013584, OMIM 614116.

gnomAD v4.1: 4 of 1,614,170 alleles (0.00025%); highest among the groups gnomAD compares: South Asian, 0.0044%; no homozygotes.

Submission:

Labcorp Genetics (formerly Invitae), Labcorp
Classification: Uncertain significance for Hereditary sensory neuropathy-deafness-dementia syndrome. Last evaluated: 2024-04-02. Review status: criteria provided, single submitter. Criteria: Invitae Variant Classification Sherloc (09022015). Collection method: clinical testing. Allele origin: germline.
Comment: This sequence change replaces glycine, which is neutral and non-polar, with arginine, which is basic and polar, at codon 294 of the DNMT1 protein (p.Gly294Arg). This variant is not present in population databases (gnomAD no frequency). This variant has not been reported in the literature in individuals affected with DNMT1-related conditions. An algorithm developed to predict the effect of missense changes on protein structure and function (PolyPhen-2) suggests that this variant is likely to be tolerated. In summary, the available evidence is currently insufficient to determine the role of this variant in disease. Therefore, it has been classified as a Variant of Uncertain Significance.